The following is an entry in ClinVar:

NM_198578.4(LRRK2):c.1672G>T (p.Gly558Trp)

Gene: LRRK2 (leucine rich repeat kinase 2; plus strand). Cytogenetic location: 12q12.
Variant type: single nucleotide variant.
Coding change: c.1672G>T on transcript NM_198578.4 (MANE Select); coding-DNA position 1672, G replaced by T.
Protein change: p.Gly558Trp; replaces glycine 558 with tryptophan.
Molecular consequence: missense variant.
Genome position (GRCh38, 1-based): chr12:40,274,598, G>T. VCF-style: chr12-40274598-G-T. GRCh37 (hg19) VCF-style: chr12-40668400-G-T.
Other names: short protein forms G558W.
Identifiers: ClinVar variation 2567420 (VCV002567420.2), dbSNP rs2499622533, ClinGen allele CA384402684.

ClinVar aggregate classification (germline): Uncertain significance (1 of 4 stars; one submission).

Conditions:
Inborn genetic diseases. Identifiers: MedGen C0950123, MeSH D030342.

Submission:

Ambry Genetics
Classification: Uncertain significance for Inborn genetic diseases. Last evaluated: 2023-05-25. Review status: criteria provided, single submitter. Criteria: Ambry Variant Classification Scheme 2023. Collection method: clinical testing. Allele origin: germline.
Comment: The p.G558W variant (also known as c.1672G>T), located in coding exon 15 of the LRRK2 gene, results from a G to T substitution at nucleotide position 1672. The glycine at codon 558 is replaced by tryptophan, an amino acid with highly dissimilar properties. This amino acid position is conserved. In addition, the in silico prediction for this alteration is inconclusive. Since supporting evidence is limited at this time, the clinical significance of this alteration remains unclear.